The following is an entry in ClinVar:

ClinVar aggregate classification (germline): Pathogenic (0 of 4 stars; one submission).

Conditions:
Cardiomyopathy (CMYO). Also called: Cardiomyopathies. Identifiers: Orphanet 167848, MedGen C0878544, MONDO:0004994, HP:0001638. Inheritance: Various modes of inheritance.

Allele frequency attached by ClinVar (database versions not stated): gnomAD exomes below 0.00001.
gnomAD v4.1: 1 of 1,614,046 alleles (0.000062%); highest among the groups gnomAD compares: East Asian, 0.0022%; no homozygotes.

Submission:

Lupski Lab, Baylor-Hopkins CMG, Baylor College of Medicine
Classification: Pathogenic for Cardiomyopathy. Review status: no assertion criteria provided. Collection method: research. Allele origin: germline. Inheritance: Autosomal dominant inheritance. Affected: yes.
Comment: Dual molecular diagnoses involving POLR1C and SCN1B were identified.

NM_001037.5(SCN1B):c.308A>T (p.Asp103Val)

Gene: SCN1B (sodium voltage-gated channel beta subunit 1; plus strand). Cytogenetic location: 19q13.11.
Variant type: single nucleotide variant.
Coding change: c.308A>T on transcript NM_001037.5 (MANE Select); coding-DNA position 308, A replaced by T.
Protein change: p.Asp103Val; replaces aspartic acid 103 with valine.
Molecular consequence: missense variant.
Genome position (GRCh38, 1-based): chr19:35,033,599, A>T. VCF-style: chr19-35033599-A-T. GRCh37 (hg19) VCF-style: chr19-35524503-A-T.
Other names: c.209A>T, p.Asp70Val (NM_001321605.2); c.308A>T, p.Asp103Val (NM_199037.5); short protein forms D103V, D70V.
Identifiers: ClinVar variation 375404 (VCV000375404.1), dbSNP rs1057519457, ClinGen allele CA16044237.